The following is an entry in ClinVar:

NM_005687.5(FARSB):c.499_500del (p.Leu167fs)

Gene: FARSB (phenylalanyl-tRNA synthetase subunit beta; minus strand). Cytogenetic location: 2q36.1.
Variant type: Deletion.
Coding change: c.499_500del on transcript NM_005687.5 (MANE Select); coding-DNA positions 499 to 500, 2 bases deleted (TT; older notation c.499_500delTT).
Protein change: p.Leu167fs; shifts the reading frame from leucine 167.
Molecular consequence: frameshift variant. On other transcripts: non-coding transcript variant (1).
Genome position (GRCh38, 1-based): chr2:222,634,497-222,634,498, AA deleted on the plus strand (TT on the coding strand, the reverse complement: FARSB is on the minus strand); deleting any 2 consecutive bases within chr2:222,634,497-222,634,499 gives the same sequence; the c. name uses the placement nearest the transcript's 3' end. VCF-style (leftmost placement, unchanged base first): chr2-222634496-CAA-C. GRCh37 (hg19) VCF-style: chr2-223499215-CAA-C.
Other names: short protein forms L167fs.
Identifiers: ClinVar variation 2200254 (VCV002200254.1), dbSNP rs2469435494, ClinGen allele CA2580065792.

ClinVar aggregate classification (germline): Pathogenic (1 of 4 stars; one submission).

Submission:

Labcorp Genetics (formerly Invitae), Labcorp
Classification: Pathogenic. Last evaluated: 2022-06-28. Review status: criteria provided, single submitter. Criteria: Invitae Variant Classification Sherloc (09022015). Collection method: clinical testing. Allele origin: germline.
Comment: This sequence change creates a premature translational stop signal (p.Leu167Valfs*21) in the FARSB gene. It is expected to result in an absent or disrupted protein product. Loss-of-function variants in FARSB are known to be pathogenic (PMID: 29573743, 29979980). This variant is not present in population databases (gnomAD no frequency). This variant has not been reported in the literature in individuals affected with FARSB-related conditions. For these reasons, this variant has been classified as Pathogenic.

Literature cited by the submitters: PubMed 29573743; PubMed 29979980.